The following is an entry in ClinVar:

NM_001369.3(DNAH5):c.12034G>C (p.Ala4012Pro)

Gene: DNAH5 (dynein axonemal heavy chain 5; minus strand). Cytogenetic location: 5p15.2.
Variant type: single nucleotide variant.
Coding change: c.12034G>C on transcript NM_001369.3 (MANE Select); coding-DNA position 12034, G replaced by C.
Protein change: p.Ala4012Pro; replaces alanine 4012 with proline.
Molecular consequence: missense variant.
Genome position (GRCh38, 1-based): chr5:13,721,245, C>G on the plus strand (G>C on the coding strand, the complement: DNAH5 is on the minus strand). VCF-style: chr5-13721245-C-G. GRCh37 (hg19) VCF-style: chr5-13721354-C-G.
Other names: short protein forms A4012P.
Identifiers: ClinVar variation 454733 (VCV000454733.10), dbSNP rs747828322, ClinGen allele CA3201749.

ClinVar aggregate classification (germline): Uncertain significance (1 of 4 stars; one submission).

Conditions:
Primary ciliary dyskinesia. Also called: Ciliary dyskinesia. Identifiers: Orphanet 244, MedGen C0008780, MONDO:0016575, HP:0012265.

Allele frequency attached by ClinVar (database versions not stated): ExAC 0.00001; gnomAD exomes 0.00001; TOPMed 0.00003.
gnomAD v4.1: 3 of 1,614,056 alleles (0.00019%); highest among the groups gnomAD compares: Non-Finnish European, 0.00025%; no homozygotes.

Submission:

Labcorp Genetics (formerly Invitae), Labcorp
Classification: Uncertain significance for Primary ciliary dyskinesia. Last evaluated: 2022-11-26. Review status: criteria provided, single submitter. Criteria: Invitae Variant Classification Sherloc (09022015). Collection method: clinical testing. Allele origin: germline.
Comment: This variant is present in population databases (rs747828322, gnomAD 0.002%). In summary, the available evidence is currently insufficient to determine the role of this variant in disease. Therefore, it has been classified as a Variant of Uncertain Significance. Algorithms developed to predict the effect of missense changes on protein structure and function are either unavailable or do not agree on the potential impact of this missense change (SIFT: "Deleterious"; PolyPhen-2: "Possibly Damaging"; Align-GVGD: "Class C0"). ClinVar contains an entry for this variant (Variation ID: 454733). This missense change has been observed in individual(s) with primary ciliary dyskinesia (Invitae). This sequence change replaces alanine, which is neutral and non-polar, with proline, which is neutral and non-polar, at codon 4012 of the DNAH5 protein (p.Ala4012Pro).